The following is an entry in ClinVar:

NM_002474.3(MYH11):c.367G>A (p.Val123Met)

Gene: MYH11 (myosin heavy chain 11; minus strand). Cytogenetic location: 16p13.11.
Variant type: single nucleotide variant.
Coding change: c.367G>A on transcript NM_002474.3 (MANE Select); coding-DNA position 367, G replaced by A.
Protein change: p.Val123Met; replaces valine 123 with methionine.
Molecular consequence: missense variant.
Genome position (GRCh38, 1-based): chr16:15,823,390, C>T on the plus strand (G>A on the coding strand, the complement: MYH11 is on the minus strand). VCF-style: chr16-15823390-C-T. GRCh37 (hg19) VCF-style: chr16-15917247-C-T.
Other names: c.367G>A, p.Val123Met (NM_001040113.2, NM_001040114.2, NM_022844.3); c.367G>A (NM_002474.2); short protein forms V123M.
Identifiers: ClinVar variation 3071121 (VCV003071121.5), dbSNP rs750974235, ClinGen allele CA7923059.

ClinVar aggregate classification (germline): Uncertain significance. Review status: criteria provided, multiple submitters, no conflicts (2 of 4 stars). 4 submissions from 4 submitters: Uncertain significance (4). Last evaluated 2026-07-02.

Conditions:
Familial thoracic aortic aneurysm and aortic dissection (TAAD). Also called: Thoracic aortic aneurysms and dissections. Identifiers: Orphanet 91387, MedGen C4707243, MONDO:0019625.
Aortic aneurysm, familial thoracic 4 (AAT4). Also called: AORTIC ANEURYSM/AORTIC DISSECTION AND PATENT DUCTUS ARTERIOSUS. Identifiers: MedGen C1851504, MONDO:0007568, OMIM 132900.

Allele frequency attached by ClinVar (database versions not stated): TOPMed below 0.00001; ExAC 0.00001; gnomAD 0.00001; gnomAD exomes below 0.00001.

Submissions (4):

Ambry Genetics
Classification: Uncertain significance for Familial thoracic aortic aneurysm and aortic dissection. Last evaluated: 2026-07-02. Review status: criteria provided, single submitter. Criteria: Ambry Variant Classification Scheme 2023. Collection method: clinical testing. Allele origin: germline.
Comment: The p.V123M variant (also known as c.367G>A), located in coding exon 2 of the MYH11 gene, results from a G to A substitution at nucleotide position 367. The valine at codon 123 is replaced by methionine, an amino acid with highly similar properties. This amino acid position is conserved. In addition, this alteration is predicted to be deleterious by in silico analysis. Based on the available evidence, the clinical significance of this variant remains unclear.

Labcorp Genetics (formerly Invitae), Labcorp
Classification: Uncertain significance for Aortic aneurysm, familial thoracic 4. Last evaluated: 2026-01-16. Review status: criteria provided, single submitter. Criteria: Invitae Variant Classification Sherloc (09022015). Collection method: clinical testing. Allele origin: germline.
Comment: This sequence change replaces valine, which is neutral and non-polar, with methionine, which is neutral and non-polar, at codon 123 of the MYH11 protein (p.Val123Met). This variant is present in population databases (rs750974235, gnomAD 0.009%). This variant has not been reported in the literature in individuals affected with MYH11-related conditions. ClinVar contains an entry for this variant (Variation ID: 3071121). Invitae Evidence Modeling of protein sequence and biophysical properties (such as structural, functional, and spatial information, amino acid conservation, physicochemical variation, residue mobility, and thermodynamic stability) has been performed for this missense variant. However, the output from this modeling did not meet the statistical confidence thresholds required to predict the impact of this variant on MYH11 protein function. In summary, the available evidence is currently insufficient to determine the role of this variant in disease. Therefore, it has been classified as a Variant of Uncertain Significance.

GeneDx
Classification: Uncertain significance. Last evaluated: 2024-06-20. Review status: criteria provided, single submitter. Criteria: GeneDx Variant Classification Process June 2021. Collection method: clinical testing. Allele origin: germline. Affected: yes.
Comment: Not observed at significant frequency in large population cohorts (gnomAD); In silico analysis supports that this missense variant has a deleterious effect on protein structure/function; Has not been previously published as pathogenic or benign to our knowledge

All of Us Research Program, National Institutes of Health
Classification: Uncertain significance for Familial thoracic aortic aneurysm and aortic dissection. Last evaluated: 2023-09-17. Review status: criteria provided, single submitter. Criteria: ACMG Guidelines, 2015. Collection method: clinical testing. Allele origin: germline. Inheritance: Autosomal dominant inheritance. Observed: 2 variant alleles, 2 heterozygotes.
Comment: This missense variant replaces valine with methionine at codon 123 of the MYH11 protein. Computational prediction suggests that this variant may have deleterious impact on protein structure and function (internally defined REVEL score threshold >= 0.7, PMID: 27666373). To our knowledge, functional studies have not been reported for this variant. This variant has not been reported in individuals affected with MYH11-related disorders in the literature. This variant has been identified in 3/251486 chromosomes in the general population by the Genome Aggregation Database (gnomAD). The available evidence is insufficient to determine the role of this variant in disease conclusively. Therefore, this variant is classified as a Variant of Uncertain Significance.

This study involves interpretation of variants in research participants for the purpose of population health screening. Participant phenotype was not available at the time of variant classification. Additional details can be found in publication PMID: 35346344, PMCID: PMC8962531